The following is an entry in ClinVar:

ClinVar aggregate classification (germline): Uncertain significance (1 of 4 stars; one submission).

Conditions:
Developmental and epileptic encephalopathy, 1 (DEE1). Also called: INFANTILE SPASM SYNDROME, X-LINKED 1; X-linked infantile spasms; West's syndrome; Tonic spasms with clustering, arrest of psychomotor development and hypsarrhythmia on EEG; X-Linked Infantile Spasm Syndrome; OHTAHARA SYNDROME, X-LINKED. Identifiers: MedGen C3463992, MONDO:0010632, OMIM 308350. Disease mechanism: loss of function.
Intellectual disability, X-linked, with or without seizures, ARX-related. Also called: MENTAL RETARDATION, X-LINKED 29; MENTAL RETARDATION, X-LINKED 32; MENTAL RETARDATION, X-LINKED 33; MENTAL RETARDATION, X-LINKED 38; MENTAL RETARDATION, X-LINKED 43; MENTAL RETARDATION, X-LINKED 76. Identifiers: Orphanet 777, MedGen C0796244, MONDO:0010317, OMIM 300419.

Submission:

Labcorp Genetics (formerly Invitae), Labcorp
Classification: Uncertain significance for Developmental and epileptic encephalopathy, 1; Intellectual disability, X-linked, with or without seizures, ARX-related. Last evaluated: 2024-04-22. Review status: criteria provided, single submitter. Criteria: Invitae Variant Classification Sherloc (09022015). Collection method: clinical testing. Allele origin: germline.
Comment: This sequence change replaces glycine, which is neutral and non-polar, with arginine, which is basic and polar, at codon 467 of the ARX protein (p.Gly467Arg). This variant is not present in population databases (gnomAD no frequency). This variant has not been reported in the literature in individuals affected with ARX-related conditions. Advanced modeling of protein sequence and biophysical properties (such as structural, functional, and spatial information, amino acid conservation, physicochemical variation, residue mobility, and thermodynamic stability) performed at Invitae indicates that this missense variant is not expected to disrupt ARX protein function with a negative predictive value of 80%. In summary, the available evidence is currently insufficient to determine the role of this variant in disease. Therefore, it has been classified as a Variant of Uncertain Significance.

NM_139058.3(ARX):c.1399G>A (p.Gly467Arg)

Gene: ARX (aristaless related homeobox; minus strand). Cytogenetic location: Xp21.3.
Variant type: single nucleotide variant.
Coding change: c.1399G>A on transcript NM_139058.3 (MANE Select); coding-DNA position 1399, G replaced by A.
Protein change: p.Gly467Arg; replaces glycine 467 with arginine.
Molecular consequence: missense variant.
Genome position (GRCh38, 1-based): chrX:25,007,160, C>T on the plus strand (G>A on the coding strand, the complement: ARX is on the minus strand). VCF-style: chrX-25007160-C-T. GRCh37 (hg19) VCF-style: chrX-25025277-C-T.
Other names: short protein forms G467R.
Identifiers: ClinVar variation 2946370 (VCV002946370.3), dbSNP rs2519101464, ClinGen allele CA412611099.